The following is an entry in ClinVar:

NM_001348323.3(TRIP12):c.748G>A (p.Ala250Thr)

Gene: TRIP12 (thyroid hormone receptor interactor 12; minus strand). Cytogenetic location: 2q36.3.
Variant type: single nucleotide variant.
Coding change: c.748G>A on transcript NM_001348323.3 (MANE Select); coding-DNA position 748, G replaced by A.
Protein change: p.Ala250Thr; replaces alanine 250 with threonine.
Molecular consequence: missense variant. On other transcripts: intron variant (1).
Genome position (GRCh38, 1-based): chr2:229,859,051, C>T on the plus strand (G>A on the coding strand, the complement: TRIP12 is on the minus strand). VCF-style: chr2-229859051-C-T. GRCh37 (hg19) VCF-style: chr2-230723767-C-T.
Other names: c.748G>A, p.Ala250Thr (NM_001284214.2, NM_001348315.2, NM_001348326.2 and 15 more transcripts); c.622G>A, p.Ala208Thr (NM_001284215.2, NM_001348331.1, NM_004238.3 and 3 more transcripts); c.98+20931G>A (NM_001284216.2); c.622G>A (NM_004238.1); short protein forms A208T, A250T.
Identifiers: ClinVar variation 1341777 (VCV001341777.27), dbSNP rs539119124, ClinGen allele CA2153455.

ClinVar aggregate classification (germline): Conflicting classifications of pathogenicity. Review status: criteria provided, conflicting classifications (1 of 4 stars). 3 submissions from 3 submitters: Uncertain significance (1); Likely benign (2). Last evaluated 2026-02-01.

Conditions:
Clark-Baraitser syndrome. Also called: MENTAL RETARDATION, AUTOSOMAL DOMINANT 49; Intellectual disability, autosomal dominant 49; BARAITSER SYNDROME; Mental retardation, tall stature, obesity, macrocephaly and typical facial features. Identifiers: Orphanet 600731, MedGen C2931130, MONDO:0030914, OMIM 617752.
Inborn genetic diseases. Identifiers: MedGen C0950123, MeSH D030342.

Allele frequency attached by ClinVar (database versions not stated): gnomAD 0.00001 and 0.00004; ExAC 0.00013; 1000 Genomes Project 30x 0.00016; 1000 Genomes Project 0.00020.
gnomAD v4.1: 147 of 1,614,156 alleles (0.0091%); highest among the groups gnomAD compares: South Asian, 0.12%; 3 homozygotes.

Submissions (3):

CeGaT Center for Human Genetics Tuebingen
Classification: Likely benign. Last evaluated: 2026-02-01. Review status: criteria provided, single submitter. Criteria: CeGaT Center For Human Genetics Tuebingen Variant Classification Criteria Version 2. Collection method: clinical testing. Allele origin: germline. Affected: yes. Observed: 2 variant alleles.
Comment: TRIP12: PP2, BP4, BS1

Ambry Genetics
Classification: Likely benign for Inborn genetic diseases. Last evaluated: 2022-05-30. Review status: criteria provided, single submitter. Criteria: Ambry Variant Classification Scheme 2023. Collection method: clinical testing. Allele origin: germline.

New York Genome Center
Classification: Uncertain significance for Clark-Baraitser syndrome. Last evaluated: 2021-01-15. Review status: criteria provided, single submitter. Criteria: NYGC Assertion Criteria 2020. Collection method: clinical testing. Allele origin: inherited. Observed: 1 heterozygote. Study: CSER-NYCKidSeq.